The following is an entry in ClinVar:

NM_000059.4(BRCA2):c.846C>T (p.His282=)

Gene: BRCA2 (BRCA2 DNA repair associated; plus strand). Cytogenetic location: 13q13.1.
Variant type: single nucleotide variant.
Coding change: c.846C>T on transcript NM_000059.4 (MANE Select); coding-DNA position 846, C replaced by T.
Protein change: p.His282=; no amino-acid change (histidine 282 retained).
Molecular consequence: synonymous variant.
Genome position (GRCh38, 1-based): chr13:32,332,324, C>T. VCF-style: chr13-32332324-C-T. GRCh37 (hg19) VCF-style: chr13-32906461-C-T.
Identifiers: ClinVar variation 699122 (VCV000699122.12), dbSNP rs1593891279, ClinGen allele CA483274665.

ClinVar aggregate classification (germline): Likely benign. Review status: criteria provided, multiple submitters, no conflicts (2 of 4 stars). 3 submissions from 3 submitters: Likely benign (2). 1 of the submissions does not count toward it. Last evaluated 2022-11-03.

Conditions:
Hereditary breast ovarian cancer syndrome. Also called: Hereditary breast and ovarian cancer syndrome; Hereditary breast and/or ovarian cancer syndrome; Hereditary breast and ovarian cancer syndrome (HBOC); BRCA1- and BRCA2-Associated Hereditary Breast and Ovarian Cancer; Breast and ovarian cancer; Hereditary breast and ovarian cancer. Identifiers: Orphanet 145, MedGen C0677776, MeSH D061325, MONDO:0003582. Disease mechanism: loss of function.
BRCA2-related disorder. Also called: BRCA2-related condition; BRCA2-related disorders. Identifiers: MedGen CN239275.
Hereditary cancer-predisposing syndrome. Also called: Hereditary Cancer Syndrome; Neoplastic Syndromes, Hereditary; Hereditary neoplastic syndrome; Tumor predisposition. Identifiers: Orphanet 140162, MedGen C0027672, MeSH D009386, MONDO:0015356.

Allele frequency attached by ClinVar (database versions not stated): gnomAD exomes below 0.00001.
gnomAD v4.1: 1 of 1,603,598 alleles (0.000062%); no homozygotes.

Submissions (3):

Ambry Genetics
Classification: Likely benign for Hereditary cancer-predisposing syndrome. Last evaluated: 2022-11-03. Review status: criteria provided, single submitter. Criteria: Ambry Variant Classification Scheme 2023. Collection method: clinical testing. Allele origin: germline.

Labcorp Genetics (formerly Invitae), Labcorp
Classification: Likely benign for Hereditary breast ovarian cancer syndrome. Last evaluated: 2022-10-13. Review status: criteria provided, single submitter. Criteria: Invitae Variant Classification Sherloc (09022015). Collection method: clinical testing. Allele origin: germline.

PreventionGenetics, part of Exact Sciences
Classification: Likely benign for BRCA2-related condition. Last evaluated: 2021-07-12. Review status: no assertion criteria provided. Collection method: clinical testing. Allele origin: germline. Not counted in ClinVar's aggregate classification.
Comment: This variant is classified as likely benign based on ACMG/AMP sequence variant interpretation guidelines (Richards et al. 2015 PMID: 25741868, with internal and published modifications).